The following is an entry in ClinVar:

NM_007294.4(BRCA1):c.4516del (p.Asp1506fs)

Gene: BRCA1 (BRCA1 DNA repair associated; minus strand). Cytogenetic location: 17q21.31.
Variant type: Deletion.
Coding change: c.4516del on transcript NM_007294.4 (MANE Select); coding-DNA position 4516, one base deleted (G; older notation c.4516delG).
Protein change: p.Asp1506fs; shifts the reading frame from aspartic acid 1506.
Molecular consequence: frameshift variant. On other transcripts: non-coding transcript variant (1).
Genome position (GRCh38, 1-based): chr17:43,074,490, C deleted on the plus strand (G on the coding strand, the reverse complement: BRCA1 is on the minus strand). VCF-style (leftmost placement, unchanged base first): chr17-43074489-TC-T. GRCh37 (hg19) VCF-style: chr17-41226506-TC-T.
Other names: 4635delG; c.4372delG, p.Asp1458Ilefs (NM_001407736.1, NM_001407737.1, NM_001407738.1 and 21 more transcripts); c.4369delG, p.Asp1457Ilefs (NM_001407838.1, NM_001407839.1, NM_001407841.1 and 12 more transcripts); c.4516delG, p.Asp1506Ilefs (NM_001407854.1, NM_001407593.1, NM_001407594.1 and 8 more transcripts); c.4513delG, p.Asp1505Ilefs (NM_001407858.1, NM_001407859.1, NM_001407860.1 and 17 more transcripts); c.4510delG, p.Asp1504Ilefs (NM_001407861.1, NM_001407627.1, NM_001407628.1 and 14 more transcripts); c.4315delG, p.Asp1439Ilefs (NM_001407862.1); c.4390delG, p.Asp1464Ilefs (NM_001407863.1, NM_001407939.1, NM_001407940.1 and 11 more transcripts); and 72 more; short protein forms D1459fs, D1506fs, D402fs, D1527fs.
Identifiers: ClinVar variation 55220 (VCV000055220.19), dbSNP rs273900736, ClinGen allele CA002890.

ClinVar aggregate classification (germline): Pathogenic. Review status: reviewed by expert panel (3 of 4 stars). 9 submissions from 9 submitters: Pathogenic (1). 8 of the submissions do not count toward it. Last evaluated 2016-09-08.

Conditions:
Hereditary cancer-predisposing syndrome. Also called: Hereditary Cancer Syndrome; Hereditary neoplastic syndrome; Neoplastic Syndromes, Hereditary; Tumor predisposition. Identifiers: Orphanet 140162, MedGen C0027672, MeSH D009386, MONDO:0015356.
Hereditary breast ovarian cancer syndrome. Also called: BRCA1- and BRCA2-Associated Hereditary Breast and Ovarian Cancer; Hereditary breast and ovarian cancer syndrome; Hereditary breast and ovarian cancer syndrome (HBOC); Breast and ovarian cancer; Hereditary breast and/or ovarian cancer syndrome; Hereditary breast and ovarian cancer. Identifiers: Orphanet 145, MedGen C0677776, MeSH D061325, MONDO:0003582. Disease mechanism: loss of function.
Breast-ovarian cancer, familial, susceptibility to, 1 (BROVCA1). Also called: BRCA1 Hereditary Breast and Ovarian Cancer; OVARIAN CANCER, SUSCEPTIBILITY TO. Identifiers: Orphanet 145, MedGen C2676676, MONDO:0011450, OMIM 604370. Disease mechanism: loss of function.

Submissions (9):

Evidence-based Network for the Interpretation of Germline Mutant Alleles (ENIGMA)
Classification: Pathogenic for Breast-ovarian cancer, familial, susceptibility to, 1. Last evaluated: 2016-09-08. Review status: reviewed by expert panel. Criteria: ENIGMA BRCA1/2 Classification Criteria (2015). Collection method: curation. Allele origin: germline.
Comment: Variant allele predicted to encode a truncated non-functional protein.

Ambry Genetics
Classification: Pathogenic for Hereditary cancer-predisposing syndrome. Last evaluated: 2022-11-17. Review status: criteria provided, single submitter. Criteria: Ambry Variant Classification Scheme 2023. Collection method: clinical testing. Allele origin: germline. Not counted in ClinVar's aggregate classification.
Comment: The c.4516delG pathogenic mutation, located in coding exon 13 of the BRCA1 gene, results from a deletion of one nucleotide at nucleotide position 4516, causing a translational frameshift with a predicted alternate stop codon (p.D1506Ifs*42). This alteration has been observed in multiple patients with personal and/or family history of breast and/or ovarian cancer (Janavicius R et al. Breast Cancer Res Treat, 2009 Sep;117:467-9; Kluska A et al. BMC Med Genomics, 2015 May;8:19). This variant is considered to be rare based on population cohorts in the Genome Aggregation Database (gnomAD). In addition to the clinical data presented in the literature, this alteration is expected to result in loss of function by premature protein truncation or nonsense-mediated mRNA decay. As such, this alteration is interpreted as a disease-causing mutation.

Labcorp Genetics (formerly Invitae), Labcorp
Classification: Pathogenic for Hereditary breast ovarian cancer syndrome. Last evaluated: 2022-09-15. Review status: criteria provided, single submitter. Criteria: Invitae Variant Classification Sherloc (09022015). Collection method: clinical testing. Allele origin: germline. Not counted in ClinVar's aggregate classification.
Comment: This sequence change creates a premature translational stop signal (p.Asp1506Ilefs*42) in the BRCA1 gene. It is expected to result in an absent or disrupted protein product. Loss-of-function variants in BRCA1 are known to be pathogenic (PMID: 20104584). For these reasons, this variant has been classified as Pathogenic. ClinVar contains an entry for this variant (Variation ID: 55220). This premature translational stop signal has been observed in individual(s) with breast and/or ovarian cancer (PMID: 18763032, 25948282). This variant is not present in population databases (gnomAD no frequency).

Clinical Genetics Laboratory, Skane University Hospital Lund
Classification: Pathogenic. Last evaluated: 2022-05-27. Review status: criteria provided, single submitter. Criteria: ACMG Guidelines, 2015. Collection method: clinical testing. Allele origin: germline. Affected: yes. Not counted in ClinVar's aggregate classification.

Color Diagnostics, LLC DBA Color Health
Classification: Pathogenic for Hereditary cancer-predisposing syndrome. Last evaluated: 2020-08-17. Review status: criteria provided, single submitter. Criteria: ACMG Guidelines, 2015. Collection method: clinical testing. Allele origin: germline. Not counted in ClinVar's aggregate classification.
Comment: This variant deletes 1 nucleotide in exon 14 of the BRCA1 gene, creating a frameshift and premature translation stop signal. This variant is expected to result in an absent or non-functional protein product. This variant has been reported in individuals affected with breast and/or ovarian cancer (PMID: 18763032, 25066507, 25948282). This variant has not been identified in the general population by the Genome Aggregation Database (gnomAD). Loss of BRCA1 function is a known mechanism of disease. Based on the available evidence, this variant is classified as Pathogenic.

Women's Health and Genetics/Laboratory Corporation of America, LabCorp
Classification: Pathogenic for Hereditary breast and ovarian cancer syndrome. Last evaluated: 2020-08-17. Review status: criteria provided, single submitter. Criteria: LabCorp Variant Classification Summary - May 2015. Collection method: clinical testing. Allele origin: germline. Not counted in ClinVar's aggregate classification.
Comment: Variant summary: BRCA1 c.4516delG (p.Asp1506IlefsX42) results in a premature termination codon, predicted to cause a truncation of the encoded protein or absence of the protein due to nonsense mediated decay, which are commonly known mechanisms for disease. Truncations downstream of this position have been classified as pathogenic by our laboratory. The variant was absent in 251352 control chromosomes. c.4516delG has been reported in the literature in individuals affected with Hereditary Breast And Ovarian Cancer Syndrome (example, Rebbeck_2018, Kluska_2015). These data indicate that the variant is likely to be associated with disease. One clinical diagnostic laboratory, the Consortium of Investigators of Modifiers of BRCA1/2 (CIMBA), and one expert panel (ENIGMA) have submitted clinical-significance assessments for this variant to ClinVar after 2014 without evidence for independent evaluation. All submitters classified the variant as pathogenic. Based on the evidence outlined above, the variant was classified as pathogenic.

Consortium of Investigators of Modifiers of BRCA1/2 (CIMBA), c/o University of Cambridge
Classification: Pathogenic for Breast-ovarian cancer, familial, susceptibility to, 1. Last evaluated: 2015-10-02. Review status: criteria provided, single submitter. Criteria: CIMBA Mutation Classification guidelines May 2016. Collection method: clinical testing. Allele origin: germline. Not counted in ClinVar's aggregate classification.

Breast Cancer Information Core (BIC) (BRCA1)
Classification: Pathogenic for Breast-ovarian cancer, familial 1. Last evaluated: 2007-08-27. Review status: no assertion criteria provided. Collection method: clinical testing. Allele origin: germline. Affected: yes. Observed: 1 variant allele. Not counted in ClinVar's aggregate classification.

Department of Pathology and Laboratory Medicine, Sinai Health System
Classification: Uncertain significance. Review status: no assertion criteria provided. Collection method: clinical testing. Allele origin: unknown. Affected: yes. Observed: 1 variant allele. Study: The Canadian Open Genetics Repository (COGR). Not counted in ClinVar's aggregate classification.

Literature cited by the submitters: PubMed 18763032 (cited by Ambry Genetics and Labcorp Genetics (formerly Invitae), Labcorp); PubMed 25948282 (cited by 3 submitters); PubMed 20104584 (cited by Labcorp Genetics (formerly Invitae), Labcorp); PubMed 26843898 (cited by Women's Health and Genetics/Laboratory Corporation of America, LabCorp); PubMed 29446198 (cited by Women's Health and Genetics/Laboratory Corporation of America, LabCorp).